The following is an entry in ClinVar:

NM_022166.4(XYLT1):c.178GCCCCG[3] (p.60AP[3])

Gene: XYLT1 (xylosyltransferase 1; minus strand). Cytogenetic location: 16p12.3.
Variant type: Microsatellite.
Coding change: c.178GCCCCG[3] on transcript NM_022166.4 (MANE Select); three copies in a row of the 6-base unit GCCCCG starting at c.178; the reference has two copies in a row; one copy, 6 bases duplicated.
Protein change: p.60AP[3].
Molecular consequence: inframe insertion.
Genome position (GRCh38, 1-based): chr16:17,470,608-17,470,613, CGGGGC duplicated on the plus strand (GCCCCG on the coding strand, the reverse complement: XYLT1 is on the minus strand); duplicating any 6 consecutive bases within chr16:17,470,608-17,470,624 gives the same sequence; the position shown is the placement nearest the transcript's 3' end. VCF-style (leftmost placement, unchanged base first): chr16-17470607-G-GCGGGGC. GRCh37 (hg19) VCF-style: chr16-17564464-G-GCGGGGC.
Identifiers: ClinVar variation 1510620 (VCV001510620.3), dbSNP rs965735566, ClinGen allele CA279106527.

ClinVar aggregate classification (germline): Uncertain significance (1 of 4 stars; one submission).

Conditions:
Desbuquois dysplasia 1 (DBQD1). Also called: DESBUQUOIS DYSPLASIA 1, KIM VARIANT; MICROMELIC DWARFISM WITH VERTEBRAL AND METAPHYSEAL ABNORMALITIES AND ADVANCED CARPOTARSAL OSSIFICATION. Identifiers: Orphanet 1425, MedGen C4012146, MONDO:0009629, OMIM 251450.

Submission:

Labcorp Genetics (formerly Invitae), Labcorp
Classification: Uncertain significance for Desbuquois dysplasia 1. Last evaluated: 2022-03-08. Review status: criteria provided, single submitter. Criteria: Invitae Variant Classification Sherloc (09022015). Collection method: clinical testing. Allele origin: germline.
Comment: This variant, c.184_189dup, results in the insertion of 2 amino acid(s) of the XYLT1 protein (p.Ala62_Pro63dup), but otherwise preserves the integrity of the reading frame. This variant is present in population databases (no rsID available, gnomAD 0.04%). This variant has not been reported in the literature in individuals affected with XYLT1-related conditions. Experimental studies and prediction algorithms are not available or were not evaluated, and the functional significance of this variant is currently unknown. In summary, the available evidence is currently insufficient to determine the role of this variant in disease. Therefore, it has been classified as a Variant of Uncertain Significance.